The following is an entry in ClinVar:

NM_001572.5(IRF7):c.848-45_848-16del

Gene: IRF7 (interferon regulatory factor 7; minus strand). Cytogenetic location: 11p15.5.
Variant type: Microsatellite.
Coding change: c.848-45_848-16del on transcript NM_001572.5 (MANE Select); 45 bases into the intron before coding-DNA position 848 through 16 bases into the intron before coding-DNA position 848, 30 bases deleted (CTGTCCCCGCCCACCCCCGTCACTCACAGC).
Molecular consequence: intron variant.
Genome position (GRCh38, 1-based): chr11:613,611-613,640, GCTGTGAGTGACGGGGGTGGGCGGGGACAG deleted on the plus strand (CTGTCCCCGCCCACCCCCGTCACTCACAGC on the coding strand, the reverse complement: IRF7 is on the minus strand); deleting any 30 consecutive bases within chr11:613,611-613,671 gives the same sequence; the c. name uses the placement nearest the transcript's 3' end. VCF-style (leftmost placement, unchanged base first): chr11-613610-AGCTGTGAGTGACGGGGGTGGGCGGGGACAG-A. GRCh37 (hg19) VCF-style: chr11-613610-AGCTGTGAGTGACGGGGGTGGGCGGGGACAG-A.
Other names: c.761-45_761-16del (NM_004029.4); c.887-45_887-16del (NM_004031.4).
Identifiers: ClinVar variation 1115490 (VCV001115490.16), dbSNP rs777061273, ClinGen allele CA5783663.
Genomic context (GRCh38, chr11:613,610, plus strand): 5'-CGGCCCTTGTACATGATGGTCACGTCCAGCGCCCCTGGGCTGGGCTCTGTGTGGAGACCA[AGCTGTGAGTGACGGGGGTGGGCGGGGACAG>A]GCTGTGAGTGACGGGGGTGGGCGGGGACAGGATGTGAGTGACGGGGGTGGGCGGGGACAG-3'

ClinVar aggregate classification (germline): Benign/Likely benign. Review status: criteria provided, multiple submitters, no conflicts (2 of 4 stars). 2 submissions from 2 submitters: Benign (1); Likely benign (1). Last evaluated 2026-08-01.

Conditions:
Immunodeficiency 39 (IMD39). Identifiers: Orphanet 574918, MedGen C4225358, MONDO:0014597, OMIM 616345.

Submissions (2):

CeGaT Center for Human Genetics Tuebingen
Classification: Benign. Last evaluated: 2026-08-01. Review status: criteria provided, single submitter. Criteria: CeGaT Center For Human Genetics Tuebingen Variant Classification Criteria Version 2. Collection method: clinical testing. Allele origin: germline. Affected: yes. Observed: 4 variant alleles.
Comment: IRF7: BS1, BS2

Labcorp Genetics (formerly Invitae), Labcorp
Classification: Likely benign for Immunodeficiency 39. Last evaluated: 2026-02-01. Review status: criteria provided, single submitter. Criteria: Invitae Variant Classification Sherloc (09022015). Collection method: clinical testing. Allele origin: germline.